The following is an entry in ClinVar:

NM_015570.4(AUTS2):c.2680G>A (p.Glu894Lys)

Gene: AUTS2 (activator of transcription and developmental regulator AUTS2; plus strand). Cytogenetic location: 7q11.22.
Variant type: single nucleotide variant.
Coding change: c.2680G>A on transcript NM_015570.4 (MANE Select); coding-DNA position 2680, G replaced by A.
Protein change: p.Glu894Lys; replaces glutamic acid 894 with lysine.
Molecular consequence: missense variant.
Genome position (GRCh38, 1-based): chr7:70,789,896, G>A. VCF-style: chr7-70789896-G-A. GRCh37 (hg19) VCF-style: chr7-70254882-G-A.
Other names: c.2608G>A, p.Glu870Lys (NM_001127231.3); short protein forms E894K, E870K.
Identifiers: ClinVar variation 2836498 (VCV002836498.3), dbSNP rs2484976439, ClinGen allele CA367664608.

ClinVar aggregate classification (germline): Likely pathogenic (1 of 4 stars; one submission).

Submission:

Labcorp Genetics (formerly Invitae), Labcorp
Classification: Likely pathogenic. Last evaluated: 2023-03-21. Review status: criteria provided, single submitter. Criteria: Invitae Variant Classification Sherloc (09022015). Collection method: clinical testing. Allele origin: germline.
Comment: In summary, the currently available evidence indicates that the variant is pathogenic, but additional data are needed to prove that conclusively. Therefore, this variant has been classified as Likely Pathogenic. Advanced modeling of protein sequence and biophysical properties (such as structural, functional, and spatial information, amino acid conservation, physicochemical variation, residue mobility, and thermodynamic stability) has been performed at Invitae for this missense variant, however the output from this modeling did not meet the statistical confidence thresholds required to predict the impact of this variant on AUTS2 protein function. This missense change has been observed in individual(s) with a neurodevelopmental disorder (Invitae). In at least one individual the variant was observed to be de novo. This variant is not present in population databases (gnomAD no frequency). This sequence change replaces glutamic acid, which is acidic and polar, with lysine, which is basic and polar, at codon 894 of the AUTS2 protein (p.Glu894Lys).